The following is an entry in ClinVar:

ClinVar aggregate classification (germline): Uncertain significance (1 of 4 stars; one submission).

Conditions:
Cornelia de Lange syndrome 5 (CDLS5). Also called: HDAC8-Related Cornelia de Lange Syndrome. Identifiers: Orphanet 199, MedGen C3550903, MONDO:0010471, OMIM 300882.

Submission:

MVZ Medizinische Genetik Mainz
Classification: Uncertain significance for Cornelia de Lange syndrome 5. Last evaluated: 2023-01-24. Review status: criteria provided, single submitter. Criteria: UK Practice Guidelines For Variant Classification V4 01 2020. Collection method: clinical testing. Allele origin: germline. Inheritance: X-linked recessive inheritance. Affected: yes. Observed: 1 variant allele.
Comment: ACMG Criteria: PM2_SUP, PP2, PP3

NM_018486.3(HDAC8):c.854G>T (p.Gly285Val)

Gene: HDAC8 (histone deacetylase 8; minus strand). Cytogenetic location: Xq13.1.
Variant type: single nucleotide variant.
Coding change: c.854G>T on transcript NM_018486.3 (MANE Select); coding-DNA position 854, G replaced by T.
Protein change: p.Gly285Val; replaces glycine 285 with valine.
Molecular consequence: missense variant. On other transcripts: non-coding transcript variant (1).
Genome position (GRCh38, 1-based): chrX:72,464,615, C>A on the plus strand (G>T on the coding strand, the complement: HDAC8 is on the minus strand). VCF-style: chrX-72464615-C-A. GRCh37 (hg19) VCF-style: chrX-71684465-C-A.
Other names: c.581G>T, p.Gly194Val (NM_001166418.2, NM_001410728.1); c.854G>T, p.Gly285Val (NM_001410725.1, NM_001410729.1); c.776G>T, p.Gly259Val (NM_001410727.1); short protein forms G194V, G259V, G285V.
Identifiers: ClinVar variation 3066329 (VCV003066329.1), dbSNP rs2520414961, ClinGen allele CA413642942.